The following is an entry in ClinVar:

ClinVar aggregate classification (germline): Uncertain significance (1 of 4 stars; one submission).

Conditions:
Neuropathy, hereditary sensory and autonomic, type 2A (HSAN2A). Also called: WNK1-Related HSAN2 (HSAN2A); ACROOSTEOLYSIS, GIACCAI TYPE; ACROOSTEOLYSIS, NEUROGENIC; MORVAN DISEASE; NEUROPATHY, CONGENITAL SENSORY; NEUROPATHY, HEREDITARY SENSORY RADICULAR, AUTOSOMAL RECESSIVE. Identifiers: Orphanet 970, MedGen C2752089, MONDO:0024309, OMIM 201300.
Pseudohypoaldosteronism type 2C (PHA2C). Also called: Pseudohypoaldosteronism Type IIC. Identifiers: Orphanet 757, Orphanet 88940, MedGen C1840391, MONDO:0013778, OMIM 614492.

Submission:

Labcorp Genetics (formerly Invitae), Labcorp
Classification: Uncertain significance for Neuropathy, hereditary sensory and autonomic, type 2A; Pseudohypoaldosteronism type 2C. Last evaluated: 2025-06-11. Review status: criteria provided, single submitter. Criteria: Invitae Variant Classification Sherloc (09022015). Collection method: clinical testing. Allele origin: germline.
Comment: This sequence change replaces leucine, which is neutral and non-polar, with phenylalanine, which is neutral and non-polar, at codon 2372 of the WNK1 protein (p.Leu2372Phe). This variant is not present in population databases (gnomAD no frequency). This variant has not been reported in the literature in individuals affected with WNK1-related conditions. Invitae Evidence Modeling of protein sequence and biophysical properties (such as structural, functional, and spatial information, amino acid conservation, physicochemical variation, residue mobility, and thermodynamic stability) indicates that this missense variant is not expected to disrupt WNK1 protein function with a negative predictive value of 95%. In summary, the available evidence is currently insufficient to determine the role of this variant in disease. Therefore, it has been classified as a Variant of Uncertain Significance.

NM_018979.4(WNK1):c.6358C>T (p.Leu2120Phe)

Gene: WNK1 (WNK lysine deficient protein kinase 1; plus strand). Cytogenetic location: 12p13.33.
Variant type: single nucleotide variant.
Coding change: c.6358C>T on transcript NM_018979.4 (MANE Select); coding-DNA position 6358, C replaced by T.
Protein change: p.Leu2120Phe; replaces leucine 2120 with phenylalanine.
Molecular consequence: missense variant.
Genome position (GRCh38, 1-based): chr12:897,591, C>T. VCF-style: chr12-897591-C-T. GRCh37 (hg19) VCF-style: chr12-1006757-C-T.
Other names: c.7138C>T, p.Leu2380Phe (NM_001184985.2); c.5614C>T, p.Leu1872Phe (NM_014823.3); c.7114C>T, p.Leu2372Phe (NM_213655.5); short protein forms L1872F, L2120F, L2372F, L2380F.
Identifiers: ClinVar variation 4789470 (VCV004789470.1).